The following is an entry in ClinVar:

NM_000051.4(ATM):c.6831A>C (p.Gln2277His)

Genes: ATM (ATM serine/threonine kinase; plus strand), C11orf65 (chromosome 11 open reading frame 65; minus strand). Cytogenetic location: 11q22.3.
Variant type: single nucleotide variant.
Coding change: c.6831A>C on transcript NM_000051.4 (MANE Select); coding-DNA position 6831, A replaced by C.
Protein change: p.Gln2277His; replaces glutamine 2277 with histidine.
Molecular consequence: missense variant. On other transcripts: intron variant (2).
Genome position (GRCh38, 1-based): chr11:108,326,081, A>C. VCF-style: chr11-108326081-A-C. GRCh37 (hg19) VCF-style: chr11-108196808-A-C.
Other names: c.6831A>C, p.Gln2277His (NM_001351834.2); c.641-17010T>G (NM_001330368.2); c.*38+9139T>G (NM_001351110.2); short protein forms Q2277H.
Identifiers: ClinVar variation 826654 (VCV000826654.16), dbSNP rs1339794219, ClinGen allele CA382556556.
Genomic context (GRCh38, chr11:108,326,081, plus strand): 5'-TAAAAGTATTTATTCCCATATGTCATTTTCATTTCAGCTCCCTGAAAGGGCAATATTTCA[A>C]ATTAAACAGTACAATTCAGTTAGCTGTGGAGTCTCTGAGTGGCAGCTGGAAGAAGCACAA-3'
Protein context (NP_000042.3, residues 2267-2287): NTQLPERAIF[Gln2277His]IKQYNSVSCG

ClinVar aggregate classification (germline): Uncertain significance. Review status: criteria provided, multiple submitters, no conflicts (2 of 4 stars). 4 submissions from 4 submitters: Uncertain significance (3). 1 of the submissions does not count toward it. Last evaluated 2026-02-17.

Conditions:
Hereditary cancer-predisposing syndrome. Also called: Tumor predisposition; Neoplastic Syndromes, Hereditary; Hereditary Cancer Syndrome; Hereditary neoplastic syndrome. Identifiers: Orphanet 140162, MedGen C0027672, MeSH D009386, MONDO:0015356.
Ataxia-telangiectasia syndrome (AT). Also called: ATAXIA-TELANGIECTASIA, COMPLEMENTATION GROUP A; ATAXIA-TELANGIECTASIA, FRESNO VARIANT; Ataxia-telangiectasia; Ataxia-telangiectasia, complementation group D; AT, COMPLEMENTATION GROUP C; Ataxia-telangiectasia, complementation group E. Identifiers: Orphanet 100, MedGen C0004135, MONDO:0008840, OMIM 208900.

Allele frequency attached by ClinVar (database versions not stated): gnomAD 0.00001.
gnomAD v4.1: 1 of 1,614,008 alleles (0.000062%); highest among the groups gnomAD compares: African/African-American, 0.0013%; no homozygotes.

Submissions (4):

Ambry Genetics
Classification: Uncertain significance for Hereditary cancer-predisposing syndrome. Last evaluated: 2026-02-17. Review status: criteria provided, single submitter. Criteria: Ambry Variant Classification Scheme 2023. Collection method: clinical testing. Allele origin: germline.

Labcorp Genetics (formerly Invitae), Labcorp
Classification: Uncertain significance for Ataxia-telangiectasia syndrome. Last evaluated: 2022-10-13. Review status: criteria provided, single submitter. Criteria: Invitae Variant Classification Sherloc (09022015). Collection method: clinical testing. Allele origin: germline.
Comment: In summary, the available evidence is currently insufficient to determine the role of this variant in disease. Therefore, it has been classified as a Variant of Uncertain Significance. Algorithms developed to predict the effect of missense changes on protein structure and function output the following: SIFT: "Tolerated"; PolyPhen-2: "Benign"; Align-GVGD: "Class C0". The histidine amino acid residue is found in multiple mammalian species, which suggests that this missense change does not adversely affect protein function. ClinVar contains an entry for this variant (Variation ID: 826654). This missense change has been observed in individual(s) with breast and/or ovarian cancer (PMID: 29470806). This variant is present in population databases (no rsID available, gnomAD 0.01%). This sequence change replaces glutamine, which is neutral and polar, with histidine, which is basic and polar, at codon 2277 of the ATM protein (p.Gln2277His).

Color Diagnostics, LLC DBA Color Health
Classification: Uncertain significance for Hereditary cancer-predisposing syndrome. Last evaluated: 2019-03-18. Review status: criteria provided, single submitter. Criteria: ACMG Guidelines, 2015. Collection method: clinical testing. Allele origin: germline.

Natera, Inc.
Classification: Uncertain significance for Ataxia-telangiectasia. Last evaluated: 2020-08-31. Review status: no assertion criteria provided. Collection method: clinical testing. Allele origin: germline. Not counted in ClinVar's aggregate classification.

Literature cited by the submitters: PubMed 29470806 (cited by Labcorp Genetics (formerly Invitae), Labcorp).